The following is an entry in ClinVar:

NM_003072.5(SMARCA4):c.4778T>C (p.Val1593Ala)

Gene: SMARCA4 (SWI/SNF related BAF chromatin remodeling complex subunit ATPase 4; plus strand). Cytogenetic location: 19p13.2.
Variant type: single nucleotide variant.
Coding change: c.4778T>C on transcript NM_003072.5 (MANE Select); coding-DNA position 4778, T replaced by C.
Protein change: p.Val1593Ala; replaces valine 1593 with alanine.
Molecular consequence: missense variant. On other transcripts: non-coding transcript variant (1).
Genome position (GRCh38, 1-based): chr19:11,060,054, T>C. VCF-style: chr19-11060054-T-C. GRCh37 (hg19) VCF-style: chr19-11170730-T-C.
Other names: c.4874T>C, p.Val1625Ala (NM_001128849.3, NM_001387283.1); c.4679T>C, p.Val1560Ala (NM_001374457.1, NM_001128847.4); c.4775T>C, p.Val1592Ala (NM_001411150.1); c.4778T>C, p.Val1593Ala (NM_001128844.3); c.4688T>C, p.Val1563Ala (NM_001128845.2); c.4685T>C, p.Val1562Ala (NM_001128846.2); c.4676T>C, p.Val1559Ala (NM_001128848.2); short protein forms V1559A, V1560A, V1562A, V1563A, V1592A, V1593A, V1625A.
Identifiers: ClinVar variation 4864762 (VCV004864762.1).

ClinVar aggregate classification (germline): Uncertain significance (1 of 4 stars; one submission).

Conditions:
Hereditary cancer-predisposing syndrome. Also called: Neoplastic Syndromes, Hereditary; Tumor predisposition; Hereditary Cancer Syndrome; Hereditary neoplastic syndrome. Identifiers: Orphanet 140162, MedGen C0027672, MeSH D009386, MONDO:0015356.

gnomAD v4.1: 1 of 1,561,456 alleles (0.000064%); no homozygotes.

Submission:

Ambry Genetics
Classification: Uncertain significance for Hereditary cancer-predisposing syndrome. Last evaluated: 2026-04-18. Review status: criteria provided, single submitter. Criteria: Ambry Variant Classification Scheme 2023. Collection method: clinical testing. Allele origin: germline.
Comment: The p.V1625A variant (also known as c.4874T>C), located in coding exon 34 of the SMARCA4 gene, results from a T to C substitution at nucleotide position 4874. The valine at codon 1625 is replaced by alanine, an amino acid with similar properties. This amino acid position is conserved. In addition, the in silico prediction for this alteration is inconclusive. Based on the available evidence, the clinical significance of this variant remains unclear.